The following is an entry in ClinVar:

ClinVar aggregate classification (germline): Pathogenic (1 of 4 stars; one submission).

Submission:

GeneDx
Classification: Pathogenic. Last evaluated: 2025-10-28. Review status: criteria provided, single submitter. Criteria: GeneDx Variant Classification Process June 2021. Collection method: clinical testing. Allele origin: germline. Affected: yes.
Comment: Not observed at significant frequency in large population cohorts (gnomAD); In silico analysis supports that this missense variant has a deleterious effect on protein structure/function; This substitution is predicted to be within the extracellular loop between the S3 and S4 transmembrane segments of the first homologous domain; This variant is associated with the following publications: (PMID: 38771640)

NM_014191.4(SCN8A):c.649T>C (p.Ser217Pro)

Gene: SCN8A (sodium voltage-gated channel alpha subunit 8; plus strand). Cytogenetic location: 12q13.13.
Variant type: single nucleotide variant.
Coding change: c.649T>C on transcript NM_014191.4 (MANE Plus Clinical); coding-DNA position 649, T replaced by C.
Protein change: p.Ser217Pro; replaces serine 217 with proline.
Molecular consequence: missense variant. On other transcripts: intron variant (2).
Genome position (GRCh38, 1-based): chr12:51,688,792, T>C. VCF-style: chr12-51688792-T-C. GRCh37 (hg19) VCF-style: chr12-52082576-T-C.
Other names: c.649T>C, p.Ser217Pro (NM_001177984.3); c.615-213T>C (NM_001330260.2, NM_001369788.1); short protein forms S217P.
Identifiers: ClinVar variation 420809 (VCV000420809.4), dbSNP rs1064794715, ClinGen allele CA16619555.
Genomic context (GRCh38, chr12:51,688,792, plus strand): 5'-AAGTTAACTTTGGTTTGATTCTGCAGGTATATAACAGAGTTTGTAAACCTAGGCAATGTT[T>C]CAGCTCTACGCACTTTCAGGGTACTGAGGGCTTTGAAAACTATTTCGGTAATCCCAGGTA-3'
Protein context (NP_055006.1, residues 207-227): ITEFVNLGNV[Ser217Pro]ALRTFRVLRA